The following is an entry in ClinVar:

NM_001711.6(BGN):c.351+1G>T

Gene: BGN (biglycan; plus strand). Cytogenetic location: Xq28.
Variant type: single nucleotide variant.
Coding change: c.351+1G>T on transcript NM_001711.6 (MANE Select); the canonical splice donor site of the intron after coding-DNA position 351, G replaced by T.
Molecular consequence: splice donor variant.
Genome position (GRCh38, 1-based): chrX:153,505,351, G>T. VCF-style: chrX-153505351-G-T. GRCh37 (hg19) VCF-style: chrX-152770809-G-T.
Identifiers: ClinVar variation 1478485 (VCV001478485.8), dbSNP rs2089792021, ClinGen allele CA415069069.

ClinVar aggregate classification (germline): Likely pathogenic (1 of 4 stars; one submission).

Submission:

Labcorp Genetics (formerly Invitae), Labcorp
Classification: Likely pathogenic. Last evaluated: 2024-05-22. Review status: criteria provided, single submitter. Criteria: Invitae Variant Classification Sherloc (09022015). Collection method: clinical testing. Allele origin: germline.
Comment: This sequence change affects a donor splice site in intron 3 of the BGN gene. It is expected to disrupt RNA splicing. Variants that disrupt the donor or acceptor splice site typically lead to a loss of protein function (PMID: 16199547), and loss-of-function variants in BGN are known to be pathogenic (PMID: 17502576, 27632686). This variant is not present in population databases (gnomAD no frequency). This variant has not been reported in the literature in individuals affected with BGN-related conditions. ClinVar contains an entry for this variant (Variation ID: 1478485). Algorithms developed to predict the effect of sequence changes on RNA splicing suggest that this variant may disrupt the consensus splice site. In summary, the currently available evidence indicates that the variant is pathogenic, but additional data are needed to prove that conclusively. Therefore, this variant has been classified as Likely Pathogenic.

Literature cited by the submitters: PubMed 16199547; PubMed 17502576; PubMed 27632686.